The following is an entry in ClinVar:

ClinVar aggregate classification (germline): Benign/Likely benign. Review status: criteria provided, multiple submitters, no conflicts (2 of 4 stars). 11 submissions from 11 submitters: Benign (1); Likely benign (9). 1 of the submissions does not count toward it. Last evaluated 2026-05-01.

Conditions:
Familial thoracic aortic aneurysm and aortic dissection (TAAD). Also called: Thoracic aortic aneurysms and dissections. Identifiers: Orphanet 91387, MedGen C4707243, MONDO:0019625.
Marfan syndrome (MFS). Also called: Marfan syndrome type 1; Marfan's syndrome; MARFAN SYNDROME, TYPE I; Marfan syndrome, classic; FBN1-Related Marfan Syndrome. Identifiers: Orphanet 284963, Orphanet 558, MedGen C0024796, MONDO:0007947, OMIM 154700.
FBN1-related disorder. Also called: FBN1-related disorders.

Allele frequency attached by ClinVar (database versions not stated): gnomAD exomes 0.00010; ExAC 0.00015; 1000 Genomes Project 30x 0.00016; 1000 Genomes Project 0.00020; gnomAD 0.00004 and 0.00006; TOPMed 0.00009.
gnomAD v4.1: 189 of 1,614,144 alleles (0.012%); highest among the groups gnomAD compares: Middle Eastern, 0.033%; no homozygotes.

Submissions (11):

CeGaT Center for Human Genetics Tuebingen
Classification: Likely benign. Last evaluated: 2026-05-01. Review status: criteria provided, single submitter. Criteria: CeGaT Center For Human Genetics Tuebingen Variant Classification Criteria Version 2. Collection method: clinical testing. Allele origin: germline. Affected: yes. Observed: 1 variant allele.
Comment: FBN1: BP4, BP7

Labcorp Genetics (formerly Invitae), Labcorp
Classification: Likely benign for Marfan syndrome; Familial thoracic aortic aneurysm and aortic dissection. Last evaluated: 2026-01-08. Review status: criteria provided, single submitter. Criteria: Invitae Variant Classification Sherloc (09022015). Collection method: clinical testing. Allele origin: germline.

All of Us Research Program, National Institutes of Health
Classification: Likely benign for Marfan syndrome. Last evaluated: 2024-09-23. Review status: criteria provided, single submitter. Criteria: ACMG Guidelines, 2015. Collection method: clinical testing. Allele origin: germline. Inheritance: Autosomal dominant inheritance. Observed: 35 variant alleles, 35 heterozygotes.
Comment: This study involves interpretation of variants in research participants for the purpose of population health screening. Participant phenotype was not available at the time of variant classification. Additional details can be found in publication PMID: 35346344, PMCID: PMC8962531

Blueprint Genetics
Classification: Likely benign. Last evaluated: 2024-06-10. Review status: criteria provided, single submitter. Criteria: ACMG Guidelines, 2015. Collection method: clinical testing. Allele origin: germline.

GeneDx
Classification: Likely benign. Last evaluated: 2021-02-01. Review status: criteria provided, single submitter. Criteria: GeneDx Variant Classification Process June 2021. Collection method: clinical testing. Allele origin: germline. Affected: yes.

CHEO Genetics Diagnostic Laboratory, Children's Hospital of Eastern Ontario
Classification: Likely benign for Familial thoracic aortic aneurysm and aortic dissection. Last evaluated: 2020-03-18. Review status: criteria provided, single submitter. Criteria: ACMG Guidelines, 2015. Collection method: clinical testing. Allele origin: germline.

Color Diagnostics, LLC DBA Color Health
Classification: Likely benign for Familial thoracic aortic aneurysm and aortic dissection. Last evaluated: 2018-07-23. Review status: criteria provided, single submitter. Criteria: ACMG Guidelines, 2015. Collection method: clinical testing. Allele origin: germline.

Ambry Genetics
Classification: Likely benign for Familial thoracic aortic aneurysm and aortic dissection. Last evaluated: 2017-12-27. Review status: criteria provided, single submitter. Criteria: Ambry Variant Classification Scheme 2023. Collection method: clinical testing. Allele origin: germline.

Women's Health and Genetics/Laboratory Corporation of America, LabCorp
Classification: Benign. Last evaluated: 2016-05-02. Review status: criteria provided, single submitter. Criteria: LabCorp Variant Classification Summary - May 2015. Collection method: clinical testing. Allele origin: germline.
Comment: Variant summary: The c.5442C>T (p.Asn1814=) in FBN1 gene is a synonymous change that involves a non-conserved nucleotide. 5/5 in silico programs in Alamut predict that this variant does not affect normal splicing, however no functional studies supporting this notion were published at the time of evaluation. The variant is present in the control population dataset of ExAC at frequency of 0.00014 (18/121254 chrs tested), which exceeds the maximal expected frequency of a pathogenic allele (0.000125) in this gene. The variant of interest was cited as Likely Benign by reputable database/clinical laboratory. Taking together, the variant was classified as Benign.

Laboratory for Molecular Medicine, Mass General Brigham Personalized Medicine
Classification: Likely benign. Last evaluated: 2008-03-01. Review status: criteria provided, single submitter. Criteria: LMM Criteria. Collection method: clinical testing. Allele origin: germline. Observed: 1 variant allele.

PreventionGenetics, part of Exact Sciences
Classification: Likely benign for FBN1-related condition. Last evaluated: 2024-07-10. Review status: no assertion criteria provided. Collection method: clinical testing. Allele origin: germline. Not counted in ClinVar's aggregate classification.
Comment: This variant is classified as likely benign based on ACMG/AMP sequence variant interpretation guidelines (Richards et al. 2015 PMID: 25741868, with internal and published modifications).

Literature cited by the submitters: PubMed 24793577 (cited by Women's Health and Genetics/Laboratory Corporation of America, LabCorp); PubMed 25504618 (cited by Women's Health and Genetics/Laboratory Corporation of America, LabCorp).

NM_000138.5(FBN1):c.5442C>T (p.Asn1814=)

Gene: FBN1 (fibrillin 1; minus strand). Cytogenetic location: 15q21.1.
Variant type: single nucleotide variant.
Coding change: c.5442C>T on transcript NM_000138.5 (MANE Select); coding-DNA position 5442, C replaced by T.
Protein change: p.Asn1814=; no amino-acid change (asparagine 1814 retained).
Molecular consequence: synonymous variant.
Genome position (GRCh38, 1-based): chr15:48,452,665, G>A on the plus strand (C>T on the coding strand, the complement: FBN1 is on the minus strand). VCF-style: chr15-48452665-G-A. GRCh37 (hg19) VCF-style: chr15-48744862-G-A.
Identifiers: ClinVar variation 42384 (VCV000042384.27), dbSNP rs397515822, ClinGen allele CA015819.